The following is an entry in ClinVar:

ClinVar aggregate classification (germline): Uncertain significance (1 of 4 stars; one submission).

Submission:

Labcorp Genetics (formerly Invitae), Labcorp
Classification: Uncertain significance. Last evaluated: 2025-10-23. Review status: criteria provided, single submitter. Criteria: Invitae Variant Classification Sherloc (09022015). Collection method: clinical testing. Allele origin: germline.
Comment: This sequence change replaces phenylalanine, which is neutral and non-polar, with leucine, which is neutral and non-polar, at codon 101 of the KLF10 protein (p.Phe101Leu). This variant is present in population databases (no rsID available, gnomAD 0.01%). This variant has not been reported in the literature in individuals affected with KLF10-related conditions. ClinVar contains an entry for this variant (Variation ID: 3609331). An algorithm developed to predict the effect of missense changes on protein structure and function (PolyPhen-2) suggests that this variant is likely to be tolerated. In summary, the available evidence is currently insufficient to determine the role of this variant in disease. Therefore, it has been classified as a Variant of Uncertain Significance.

NM_005655.4(KLF10):c.303T>A (p.Phe101Leu)

Gene: KLF10 (KLF transcription factor 10; minus strand). Cytogenetic location: 8q22.3.
Variant type: single nucleotide variant.
Coding change: c.303T>A on transcript NM_005655.4 (MANE Select); coding-DNA position 303, T replaced by A.
Protein change: p.Phe101Leu; replaces phenylalanine 101 with leucine.
Molecular consequence: missense variant.
Genome position (GRCh38, 1-based): chr8:102,652,029, A>T on the plus strand (T>A on the coding strand, the complement: KLF10 is on the minus strand). VCF-style: chr8-102652029-A-T. GRCh37 (hg19) VCF-style: chr8-103664257-A-T.
Other names: c.270T>A, p.Phe90Leu (NM_001032282.4); short protein forms F101L, F90L.
Identifiers: ClinVar variation 3609331 (VCV003609331.2).